The following is an entry in ClinVar:

NM_213599.3(ANO5):c.2272C>T (p.Arg758Cys)

Gene: ANO5 (anoctamin 5; plus strand). Cytogenetic location: 11p14.3.
Variant type: single nucleotide variant.
Coding change: c.2272C>T on transcript NM_213599.3 (MANE Select); coding-DNA position 2272, C replaced by T.
Protein change: p.Arg758Cys; replaces arginine 758 with cysteine.
Molecular consequence: missense variant.
Genome position (GRCh38, 1-based): chr11:22,274,605, C>T. VCF-style: chr11-22274605-C-T. GRCh37 (hg19) VCF-style: chr11-22296151-C-T.
Other names: NM_213599.3(ANO5):c.2272C>T; c.2269C>T, p.Arg757Cys (NM_001142649.2); short protein forms R758C, R757C.
Identifiers: ClinVar variation 2166 (VCV000002166.84), dbSNP rs137854529, ClinGen allele CA130516.
Genomic context (GRCh38, chr11:22,274,605, plus strand): 5'-CCTCTTTTTTTTTTTATTCTTCAGGCCTTTATTGTTGCATTTACGTCAGACATCATTCCC[C>T]GTCTAGTTTACTACTATGCTTACTCAACAAATGCCACACAGCCTATGACAGGATATGTGA-3'
Protein context (NP_998764.1, residues 748-768): IVAFTSDIIP[Arg758Cys]LVYYYAYSTN

ClinVar aggregate classification (germline): Pathogenic. Review status: reviewed by expert panel (3 of 4 stars). 25 submissions from 24 submitters: Pathogenic (1). 24 of the submissions do not count toward it. Last evaluated 2025-01-07.

Conditions:
ANO5 Muscle Disease.
ANO5-related disorder. Also called: ANO5-related disorders; ANO5-related condition. Identifiers: MedGen CN239193.
Autosomal recessive limb-girdle muscular dystrophy type 2L (LGMDR12). Also called: MUSCULAR DYSTROPHY, LIMB-GIRDLE, AUTOSOMAL RECESSIVE 12; Limb-Girdle Muscular Dystrophy R12 Anoctamin-5-Related (LGMD-R12); Limb-girdle muscular dystrophy, type 2L. Identifiers: Orphanet 206549, MedGen C1969785, MONDO:0012652, OMIM 611307.
Gnathodiaphyseal dysplasia (GDD). Also called: GNATHODIAPHYSEAL SCLEROSIS; OSTEOGENESIS IMPERFECTA WITH UNUSUAL SKELETAL LESIONS. Identifiers: Orphanet 53697, MedGen C1833736, MONDO:0008151, OMIM 166260.
Autosomal recessive limb-girdle muscular dystrophy. Identifiers: Orphanet 102015, MedGen C2931907, MONDO:0015152.
Miyoshi muscular dystrophy 3 (MMD3). Also called: Miyoshi myopathy 3; Miyoshi Muscular Dystrophy 3 (MMD3). Identifiers: Orphanet 399096, MedGen C2750076, MONDO:0013222, OMIM 613319.

Allele frequency attached by ClinVar (database versions not stated): TOPMed 0.00009; gnomAD 0.00046 and 0.00049; gnomAD exomes 0.00030 and 0.00058; ExAC 0.00045; 1000 Genomes Project 30x 0.00031; 1000 Genomes Project 0.00040.
gnomAD v4.1: 513 of 1,607,516 alleles (0.032%); highest among the groups gnomAD compares: Non-Finnish European, 0.012%; 1 homozygote.

Submissions 1 to 9 of 25:

ClinGen Limb Girdle Muscular Dystrophy Variant Curation Expert Panel, ClinGen
Classification: Pathogenic for Autosomal recessive limb-girdle muscular dystrophy. Last evaluated: 2025-01-07. Review status: reviewed by expert panel. Criteria: ClinGen LGMD VCEP ACMG Specifications ANO5 V1.0.0. Collection method: curation. Allele origin: germline. Inheritance: Autosomal recessive inheritance.
Comment: The NM_213599.3: c.2272C>T variant in ANO5 is a missense variant predicted to cause substitution of arginine by cysteine at amino acid 758 (p.Arg758Cys). This variant has been detected in at least 7 individuals with LGMD, five of whom had a second ANO5 variant classified as pathogenic or likely pathogenic, with one confirmed in trans by parental testing (c.191dup x5, 3.0 pts, PMID: 25135358, 24803842, 21739273, 21186264). Two patients were homozygous for the variant (1.0 pt, PMID: 20096397) (PM3_Very Strong). At least one patient with this variant displayed progressive limb girdle muscle weakness (PP4; PMD: 31395899). The variant has been reported to segregate with LGMD in six affected family members from three families (PP1_Strong; PMID: 20096397, 27911336). The maximum minor allele frequency for this variant is 0.0003116 (40/128354 chromosomes) in the European (non-Finnish) population in gnomAD v2.1.1, which exceeds the VCEP threshold of 0.0001 for PM2 (criterion not met). The computational predictor REVEL gives a score of 0.82, which meets the VCEP threshold of ≥0.70, evidence that correlates with impact to ANO5 function (PP3). In summary, this variant meets the criteria to be classified as Pathogenic for autosomal recessive limb girdle muscular dystrophy based on the ACMG/AMP criteria applied, as specified by the ClinGen LGMD VCEP (LGMD VCEP specifications version 1.0.0; 01/07/2025): PM3_Very Strong, PP4, PP1_Strong, PP3.

PreventionGenetics, part of Exact Sciences
Classification: Pathogenic for ANO5-related condition. Last evaluated: 2026-09-04. Review status: criteria provided, single submitter. Criteria: ACMG Guidelines, 2015. Collection method: clinical testing. Allele origin: germline. Not counted in ClinVar's aggregate classification.
Comment: The ANO5 c.2272C>T variant is predicted to result in the amino acid substitution p.Arg758Cys. This variant has been reported in the homozygous state or along with a second causative ANO5 variant in numerous individuals with a diagnosis or clincial features consistent with non-dysferlin Miyoshi myopathy (MMD3) or limb girdle muscular dystrophy (LGMD2L) (see, for example, Bolduc et al. 2010. PubMed ID: 20096397; Hicks et al. 2011. PubMed ID: 21186264; Sarkozy et al. 2012. PubMed ID: 22980763; Silva et al. 2019. PubMed ID: 31353849; Sainio et al. 2021. PubMed ID: 34418069) and was shown to segregate with ANO5-related disorders in affected individuals from multiple families (Bolduc et al. 2010. PubMed ID: 20096397; Ylikallio et al. 2016. PubMed ID: 27911336). An in vitro functional study using patient myoblast cells homozygous for p.Arg758Cys showed reduced protein levels and compromised plasma membrane repair, suggesting increased susceptibility to protein degradation (Chandra et al. 2019. PubMed ID: 31341644). This variant is reported in 0.55% of alleles in individuals of European (Finnish) descent in gnomAD and is interpreted as pathogenic by the ClinGen Limb Girdle Muscular Dystrophy Variant Curation expert panel in ClinVar (Variation ID: 2166). This variant is interpreted as pathogenic.

CeGaT Center for Human Genetics Tuebingen
Classification: Pathogenic. Last evaluated: 2026-07-01. Review status: criteria provided, single submitter. Criteria: CeGaT Center For Human Genetics Tuebingen Variant Classification Criteria Version 2. Collection method: clinical testing. Allele origin: germline. Affected: yes. Observed: 8 variant alleles. Not counted in ClinVar's aggregate classification.
Comment: ANO5: PM3:Very Strong, PP1:Strong, PM2:Supporting

Labcorp Genetics (formerly Invitae), Labcorp
Classification: Pathogenic for Autosomal recessive limb-girdle muscular dystrophy type 2L; Gnathodiaphyseal dysplasia. Last evaluated: 2026-01-01. Review status: criteria provided, single submitter. Criteria: Invitae Variant Classification Sherloc (09022015). Collection method: clinical testing. Allele origin: germline. Not counted in ClinVar's aggregate classification.
Comment: This sequence change replaces arginine, which is basic and polar, with cysteine, which is neutral and slightly polar, at codon 758 of the ANO5 protein (p.Arg758Cys). This variant is present in population databases (rs137854529, gnomAD 0.5%), and has an allele count higher than expected for a pathogenic variant. This missense change has been observed in individual(s) with autosomal recessive limb-girdle muscular dystrophy, distal myopathy and Miyoshi myopathy (PMID: 20096397, 21186264, 21739273, 22402862, 22980763, 24803842, 25135358, 27911336). In at least one individual the data is consistent with being in trans (on the opposite chromosome) from a pathogenic variant. It has also been observed to segregate with disease in related individuals. ClinVar contains an entry for this variant (Variation ID: 2166). Invitae Evidence Modeling of protein sequence and biophysical properties (such as structural, functional, and spatial information, amino acid conservation, physicochemical variation, residue mobility, and thermodynamic stability) indicates that this missense variant is expected to disrupt ANO5 protein function with a positive predictive value of 95%. For these reasons, this variant has been classified as Pathogenic.

Institute of Human Genetics Munich, TUM University Hospital
Classification: Pathogenic for Miyoshi muscular dystrophy 3. Last evaluated: 2025-07-09. Review status: criteria provided, single submitter. Criteria: Classification criteria August 2017. Collection method: clinical testing. Allele origin: germline. Inheritance: Autosomal recessive inheritance. Affected: yes. Observed: 1 variant allele. Not counted in ClinVar's aggregate classification.

Revvity Omics, Revvity
Classification: Pathogenic. Last evaluated: 2025-06-26. Review status: criteria provided, single submitter. Criteria: ACMG Guidelines, 2015. Collection method: clinical testing. Allele origin: germline. Not counted in ClinVar's aggregate classification.

Blueprint Genetics
Classification: Pathogenic for ANO5-related disorders. Last evaluated: 2024-08-28. Review status: criteria provided, single submitter. Criteria: ACMG Guidelines, 2015. Collection method: clinical testing. Allele origin: germline. Affected: yes. Observed: 5 variant alleles. Not counted in ClinVar's aggregate classification.

GeneDx
Classification: Pathogenic. Last evaluated: 2024-05-06. Review status: criteria provided, single submitter. Criteria: GeneDx Variant Classification Process June 2021. Collection method: clinical testing. Allele origin: germline. Affected: yes. Not counted in ClinVar's aggregate classification.
Comment: In silico analysis supports that this missense variant has a deleterious effect on protein structure/function; This variant is associated with the following publications: (PMID: 26886200, 21739273, 37273706, 27911336, 24803842, 17132147, 31395899, 22980763, 21186264, 20096397, 30564623, 30919934, 25135358, 31341644, 28489263, 25891276, 22402862, 31589614, 34008892, 34418069, 35239206)

Rady Children's Institute for Genomic Medicine, Rady Children's Hospital San Diego
Classification: Pathogenic for ANO5 Muscle Disease. Last evaluated: 2023-12-26. Review status: criteria provided, single submitter. Criteria: ACMG Guidelines, 2015. Collection method: clinical testing. Allele origin: germline. Affected: yes. Not counted in ClinVar's aggregate classification.
Comment: The c.2272C>T (p.Arg758Cys) variant affects a highly conserved amino acid and is predicted by multiple in silico tools to have a deleterious effect on protein function. This variant has been previously reported as a compound heterozygous and homozygous change in individuals with ANO5-related disorders (PMID: 20096397, 30564623, 31395899, 34418069, 35239206). The c.2272C>T (p.Arg758Cys) variant is located in the transmembrane domain, which is a known hotspot for pathogenic variations associated with ANO5-related disorders (PMID: 28176803, 20096397). The c.2272C>T (p.Arg758Cys) variant is present in the gnomAD population database at a frequency of 0.07% (185/281326) in the heterozygous state and is absent in the homozygous state. Based on the available evidence, c.2272C>T (p.Arg758Cys) is classified as Pathogenic.